The following is an entry in ClinVar:

NM_014049.5(ACAD9):c.562G>A (p.Asp188Asn)

Gene: ACAD9 (acyl-CoA dehydrogenase family member 9; plus strand). Cytogenetic location: 3q21.3.
Variant type: single nucleotide variant.
Coding change: c.562G>A on transcript NM_014049.5 (MANE Select); coding-DNA position 562, G replaced by A.
Protein change: p.Asp188Asn; replaces aspartic acid 188 with asparagine.
Molecular consequence: missense variant. On other transcripts: non-coding transcript variant (1).
Genome position (GRCh38, 1-based): chr3:128,897,639, G>A. VCF-style: chr3-128897639-G-A. GRCh37 (hg19) VCF-style: chr3-128616482-G-A.
Other names: c.193G>A, p.Asp65Asn (NM_001410805.1); short protein forms D65N, D188N.
Identifiers: ClinVar variation 2195230 (VCV002195230.1), dbSNP rs748555737, ClinGen allele CA2601192.

ClinVar aggregate classification (germline): Uncertain significance (1 of 4 stars; one submission).

Allele frequency attached by ClinVar (database versions not stated): ExAC 0.00001; gnomAD 0.00001; TOPMed 0.00001; gnomAD exomes 0.00004.
gnomAD v4.1: 63 of 1,613,352 alleles (0.0039%); highest among the groups gnomAD compares: Non-Finnish European, 0.0052%; no homozygotes.

Submission:

Labcorp Genetics (formerly Invitae), Labcorp
Classification: Uncertain significance. Last evaluated: 2022-06-14. Review status: criteria provided, single submitter. Criteria: Invitae Variant Classification Sherloc (09022015). Collection method: clinical testing. Allele origin: germline.
Comment: This sequence change replaces aspartic acid, which is acidic and polar, with asparagine, which is neutral and polar, at codon 188 of the ACAD9 protein (p.Asp188Asn). This variant is present in population databases (rs748555737, gnomAD 0.003%). This variant has not been reported in the literature in individuals affected with ACAD9-related conditions. Advanced modeling of protein sequence and biophysical properties (such as structural, functional, and spatial information, amino acid conservation, physicochemical variation, residue mobility, and thermodynamic stability) performed at Invitae indicates that this missense variant is expected to disrupt ACAD9 protein function. In summary, the available evidence is currently insufficient to determine the role of this variant in disease. Therefore, it has been classified as a Variant of Uncertain Significance.